The following is an entry in ClinVar:

ClinVar aggregate classification (germline): Uncertain significance. Review status: criteria provided, multiple submitters, no conflicts (2 of 4 stars). 3 submissions from 3 submitters: Uncertain significance (3). Last evaluated 2025-12-06.

Conditions:
Joubert syndrome 17 (JBTS17). Identifiers: Orphanet 475, MedGen C3553264, MONDO:0013824, OMIM 614615.

Allele frequency attached by ClinVar (database versions not stated): gnomAD 0.00003 and 0.00004; gnomAD exomes 0.00003 and 0.00014; ExAC 0.00005; TOPMed 0.00005.
gnomAD v4.1: 193 of 1,551,188 alleles (0.012%); highest among the groups gnomAD compares: Non-Finnish European, 0.016%; no homozygotes.

Submissions (3):

GeneDx
Classification: Uncertain significance. Last evaluated: 2025-12-06. Review status: criteria provided, single submitter. Criteria: GeneDx Variant Classification Process June 2021. Collection method: clinical testing. Allele origin: germline. Affected: yes.
Comment: In silico analysis suggests that this missense variant does not alter protein structure/function; Has not been previously published as pathogenic or benign to our knowledge

Labcorp Genetics (formerly Invitae), Labcorp
Classification: Uncertain significance. Last evaluated: 2022-10-24. Review status: criteria provided, single submitter. Criteria: Invitae Variant Classification Sherloc (09022015). Collection method: clinical testing. Allele origin: germline.
Comment: This sequence change replaces leucine, which is neutral and non-polar, with phenylalanine, which is neutral and non-polar, at codon 438 of the CPLANE1 protein (p.Leu438Phe). This variant is present in population databases (rs774184345, gnomAD 0.009%). This variant has not been reported in the literature in individuals affected with CPLANE1-related conditions. ClinVar contains an entry for this variant (Variation ID: 905939). Algorithms developed to predict the effect of missense changes on protein structure and function output the following: SIFT: "Deleterious"; PolyPhen-2: "Possibly Damaging"; Align-GVGD: "Class C0". The phenylalanine amino acid residue is found in multiple mammalian species, which suggests that this missense change does not adversely affect protein function. In summary, the available evidence is currently insufficient to determine the role of this variant in disease. Therefore, it has been classified as a Variant of Uncertain Significance.

Illumina Laboratory Services, Illumina
Classification: Uncertain significance for Joubert syndrome 17. Last evaluated: 2018-01-12. Review status: criteria provided, single submitter. Criteria: ICSL Variant Classification Criteria 13 December 2019. Collection method: clinical testing. Allele origin: germline.

NM_001384732.1(CPLANE1):c.1312C>T (p.Leu438Phe)

Gene: CPLANE1 (ciliogenesis and planar polarity effector complex subunit 1; minus strand). Cytogenetic location: 5p13.2.
Variant type: single nucleotide variant.
Coding change: c.1312C>T on transcript NM_001384732.1 (MANE Select); coding-DNA position 1312, C replaced by T.
Protein change: p.Leu438Phe; replaces leucine 438 with phenylalanine.
Molecular consequence: missense variant.
Genome position (GRCh38, 1-based): chr5:37,227,627, G>A on the plus strand (C>T on the coding strand, the complement: CPLANE1 is on the minus strand). VCF-style: chr5-37227627-G-A. GRCh37 (hg19) VCF-style: chr5-37227729-G-A.
Other names: c.1312C>T, p.Leu438Phe (NM_023073.4); short protein forms L438F.
Identifiers: ClinVar variation 905939 (VCV000905939.10), dbSNP rs774184345, ClinGen allele CA3239110.